The following is an entry in ClinVar:

NM_005219.5(DIAPH1):c.-49A>C

Gene: DIAPH1 (diaphanous related formin 1; minus strand). Cytogenetic location: 5q31.3.
Variant type: single nucleotide variant.
Coding change: c.-49A>C on transcript NM_005219.5 (MANE Select); 49 bases upstream of the start codon, A replaced by C.
Molecular consequence: 5 prime UTR variant.
Genome position (GRCh38, 1-based): chr5:141,618,963, T>G on the plus strand (A>C on the coding strand, the complement: DIAPH1 is on the minus strand). VCF-style: chr5-141618963-T-G. GRCh37 (hg19) VCF-style: chr5-140998530-T-G.
Other names: c.-49A>C (NM_001079812.3, NM_001314007.2).
Identifiers: ClinVar variation 351310 (VCV000351310.7), dbSNP rs570498572, ClinGen allele CA3479729.

ClinVar aggregate classification (germline): Likely benign. Review status: criteria provided, multiple submitters, no conflicts (2 of 4 stars). 2 submissions from 2 submitters: Likely benign (2). Last evaluated 2020-07-27.

Conditions:
Autosomal dominant nonsyndromic hearing loss 1. Also called: KONIGSMARK SYNDROME; DEAFNESS, AUTOSOMAL DOMINANT 1, WITH OR WITHOUT THROMBOCYTOPENIA. Identifiers: Orphanet 90635, MedGen C1852282, MONDO:0007424, OMIM 124900.

Allele frequency attached by ClinVar (database versions not stated): gnomAD 0.00006; TOPMed 0.00007; gnomAD exomes 0.00090; 1000 Genomes Project 30x 0.00125; 1000 Genomes Project 0.00200; ExAC 0.00369.
gnomAD v4.1: 328 of 1,125,104 alleles (0.029%); highest among the groups gnomAD compares: South Asian, 0.51%; 2 homozygotes.

Submissions (2):

GeneDx
Classification: Likely benign. Last evaluated: 2020-07-27. Review status: criteria provided, single submitter. Criteria: GeneDx Variant Classification Process June 2021. Collection method: clinical testing. Allele origin: germline. Affected: yes.

Illumina Laboratory Services, Illumina
Classification: Likely benign for Autosomal dominant nonsyndromic hearing loss 1. Last evaluated: 2018-01-13. Review status: criteria provided, single submitter. Criteria: ICSL Variant Classification Criteria 13 December 2019. Collection method: clinical testing. Allele origin: germline.
Comment: This variant was observed in the ICSL laboratory as part of a predisposition screen in an ostensibly healthy population. It had not been previously curated by ICSL or reported in the Human Gene Mutation Database (HGMD: prior to June 1st, 2018), and was therefore a candidate for classification through an automated scoring system. Utilizing variant allele frequency, disease prevalence and penetrance estimates, and inheritance mode, an automated score was calculated to assess if this variant is too frequent to cause the disease. Based on the score and internal cut-off values, a variant classified as likely benign is not then subjected to further curation. The score for this variant resulted in a classification of likely benign for this disease.